The following is an entry in ClinVar:

ClinVar aggregate classification (germline): Pathogenic (1 of 4 stars; one submission).

Conditions:
Biotinidase deficiency. Also called: BTD deficiency; Late-onset biotin-responsive multiple carboxylase deficiency; Biotin deficiency. Identifiers: Orphanet 79241, MedGen C0220754, MONDO:0009665, OMIM 253260.

Allele frequency attached by ClinVar (database versions not stated): gnomAD exomes below 0.00001; ExAC 0.00001.
gnomAD v4.1: 2 of 1,614,172 alleles (0.00012%); highest among the groups gnomAD compares: Non-Finnish European, 0.00017%; no homozygotes.

Submission:

Labcorp Genetics (formerly Invitae), Labcorp
Classification: Pathogenic for Biotinidase deficiency. Last evaluated: 2025-07-07. Review status: criteria provided, single submitter. Criteria: Invitae Variant Classification Sherloc (09022015). Collection method: clinical testing. Allele origin: germline.
Comment: This sequence change replaces asparagine, which is neutral and polar, with serine, which is neutral and polar, at codon 195 of the BTD protein (p.Asn195Ser). This variant is present in population databases (rs397514371, gnomAD 0.0009%). This missense change has been observed in individual(s) with clinical features of biotinidase deficiency (PMID: 17185019; internal data). In at least one individual the data is consistent with being in trans (on the opposite chromosome) from a pathogenic variant. ClinVar contains an entry for this variant (Variation ID: 2203315). Invitae Evidence Modeling of protein sequence and biophysical properties (such as structural, functional, and spatial information, amino acid conservation, physicochemical variation, residue mobility, and thermodynamic stability) indicates that this missense variant is expected to disrupt BTD protein function with a positive predictive value of 95%. This variant disrupts the p.Asn195 amino acid residue in BTD. Other variant(s) that disrupt this residue have been determined to be pathogenic (PMID: 9396567, 11865279). This suggests that this residue is clinically significant, and that variants that disrupt this residue are likely to be disease-causing. For these reasons, this variant has been classified as Pathogenic.

Literature cited by the submitters: PubMed 17185019; PubMed 9396567; PubMed 11865279.

NM_001370658.1(BTD):c.524A>G (p.Asn175Ser)

Gene: BTD (biotinidase; plus strand). Cytogenetic location: 3p25.1.
Variant type: single nucleotide variant.
Coding change: c.524A>G on transcript NM_001370658.1 (MANE Select); coding-DNA position 524, A replaced by G.
Protein change: p.Asn175Ser; replaces asparagine 175 with serine.
Molecular consequence: missense variant. On other transcripts: intron variant (1).
Genome position (GRCh38, 1-based): chr3:15,644,440, A>G. VCF-style: chr3-15644440-A-G. GRCh37 (hg19) VCF-style: chr3-15685947-A-G.
Other names: c.584A>G, p.Asn195Ser (NM_000060.4); c.524A>G, p.Asn175Ser (NM_001281723.4, NM_001281724.3, NM_001281725.3 and 18 more transcripts); c.399+2383A>G (NM_001370753.1); short protein forms N175S.
Identifiers: ClinVar variation 2203315 (VCV002203315.4), dbSNP rs397514371, ClinGen allele CA278227.